The following is an entry in ClinVar:

NM_001039876.3(SYNE4):c.799C>T (p.Arg267Trp)

Gene: SYNE4 (spectrin repeat containing nuclear envelope family member 4; minus strand). Cytogenetic location: 19q13.12.
Variant type: single nucleotide variant.
Coding change: c.799C>T on transcript NM_001039876.3 (MANE Select); coding-DNA position 799, C replaced by T.
Protein change: p.Arg267Trp; replaces arginine 267 with tryptophan.
Molecular consequence: missense variant.
Genome position (GRCh38, 1-based): chr19:36,006,491, G>A on the plus strand (C>T on the coding strand, the complement: SYNE4 is on the minus strand). VCF-style: chr19-36006491-G-A. GRCh37 (hg19) VCF-style: chr19-36497393-G-A.
Other names: c.460C>T, p.Arg154Trp (NM_001297735.3); short protein forms R267W, R154W.
Identifiers: ClinVar variation 227088 (VCV000227088.17), dbSNP rs79311416, ClinGen allele CA9393853.

ClinVar aggregate classification (germline): Benign. Review status: criteria provided, multiple submitters, no conflicts (2 of 4 stars). 4 submissions from 4 submitters: Benign (4). Last evaluated 2026-02-04.

Allele frequency attached by ClinVar (database versions not stated): gnomAD exomes 0.00072 and 0.00190; ExAC 0.00255; gnomAD 0.00684 and 0.00721; ESP Exome Variant Server 0.00734; TOPMed 0.00748; 1000 Genomes Project 0.01178; 1000 Genomes Project 30x 0.01187.
gnomAD v4.1: 2,148 of 1,611,510 alleles (0.13%); highest among the groups gnomAD compares: African/African-American, 2.5%; 27 homozygotes.

Submissions (4):

Labcorp Genetics (formerly Invitae), Labcorp
Classification: Benign. Last evaluated: 2026-02-04. Review status: criteria provided, single submitter. Criteria: Invitae Variant Classification Sherloc (09022015). Collection method: clinical testing. Allele origin: germline.

Mayo Clinic Laboratories, Mayo Clinic
Classification: Benign. Last evaluated: 2025-03-21. Review status: criteria provided, single submitter. Criteria: ACMG Guidelines, 2015. Collection method: clinical testing. Allele origin: germline. Observed: 1 variant allele.
Comment: BA1, BS2, BP4

GeneDx
Classification: Benign. Last evaluated: 2019-07-26. Review status: criteria provided, single submitter. Criteria: GeneDx Variant Classification Process June 2021. Collection method: clinical testing. Allele origin: germline. Affected: yes.

Laboratory for Molecular Medicine, Mass General Brigham Personalized Medicine
Classification: Benign. Last evaluated: 2014-11-24. Review status: criteria provided, single submitter. Criteria: LMM Criteria. Collection method: clinical testing. Allele origin: germline. Observed: 4 variant alleles.
Comment: Arg267Trp in exon 5 of SYNE4: This variant is not expected to have clinical sign ificance because it has been identified in 2.3% (87/3784) of African American ch romosomes from a broad population by the NHLBI Exome Sequencing Project (dbSNP rs79311416).